The following is an entry in ClinVar:

NM_052854.4(CREB3L1):c.506T>C (p.Ile169Thr)

Gene: CREB3L1 (cAMP responsive element binding protein 3 like 1; plus strand). Cytogenetic location: 11p11.2.
Variant type: single nucleotide variant.
Coding change: c.506T>C on transcript NM_052854.4 (MANE Select); coding-DNA position 506, T replaced by C.
Protein change: p.Ile169Thr; replaces isoleucine 169 with threonine.
Molecular consequence: missense variant.
Genome position (GRCh38, 1-based): chr11:46,307,990, T>C. VCF-style: chr11-46307990-T-C. GRCh37 (hg19) VCF-style: chr11-46329541-T-C.
Other names: short protein forms I169T.
Identifiers: ClinVar variation 1377680 (VCV001377680.6), dbSNP rs556156637, ClinGen allele CA5961601.

ClinVar aggregate classification (germline): Uncertain significance (1 of 4 stars; one submission).

Allele frequency attached by ClinVar (database versions not stated): TOPMed 0.00001; gnomAD 0.00003; gnomAD exomes 0.00003 and 0.00006; ExAC 0.00025; 1000 Genomes Project 30x 0.00047; 1000 Genomes Project 0.00060.
gnomAD v4.1: 43 of 1,538,406 alleles (0.0028%); highest among the groups gnomAD compares: South Asian, 0.052%; no homozygotes.

Submission:

Labcorp Genetics (formerly Invitae), Labcorp
Classification: Uncertain significance. Last evaluated: 2024-01-15. Review status: criteria provided, single submitter. Criteria: Invitae Variant Classification Sherloc (09022015). Collection method: clinical testing. Allele origin: germline.
Comment: This sequence change replaces isoleucine, which is neutral and non-polar, with threonine, which is neutral and polar, at codon 169 of the CREB3L1 protein (p.Ile169Thr). The frequency data for this variant in the population databases is considered unreliable, as metrics indicate poor data quality at this position in the gnomAD database. This variant has not been reported in the literature in individuals affected with CREB3L1-related conditions. ClinVar contains an entry for this variant (Variation ID: 1377680). An algorithm developed to predict the effect of missense changes on protein structure and function (PolyPhen-2) suggests that this variant is likely to be tolerated. In summary, the available evidence is currently insufficient to determine the role of this variant in disease. Therefore, it has been classified as a Variant of Uncertain Significance.